The following is an entry in ClinVar:

NM_000355.4(TCN2):c.274G>A (p.Asp92Asn)

Gene: TCN2 (transcobalamin 2; plus strand). Cytogenetic location: 22q12.2.
Variant type: single nucleotide variant.
Coding change: c.274G>A on transcript NM_000355.4 (MANE Select); coding-DNA position 274, G replaced by A.
Protein change: p.Asp92Asn; replaces aspartic acid 92 with asparagine.
Molecular consequence: missense variant.
Genome position (GRCh38, 1-based): chr22:30,612,889, G>A. VCF-style: chr22-30612889-G-A. GRCh37 (hg19) VCF-style: chr22-31008876-G-A.
Other names: c.274G>A, p.Asp92Asn (NM_001184726.2); c.274G>A (NM_000355.3); short protein forms D92N.
Identifiers: ClinVar variation 1399905 (VCV001399905.10), dbSNP rs528704555, ClinGen allele CA10184569.

ClinVar aggregate classification (germline): Uncertain significance. Review status: criteria provided, multiple submitters, no conflicts (2 of 4 stars). 2 submissions from 2 submitters: Uncertain significance (2). Last evaluated 2025-05-28.

Conditions:
Inborn genetic diseases. Identifiers: MedGen C0950123, MeSH D030342.
Transcobalamin II deficiency (TCN2D). Also called: TC II DEFICIENCY; TCN2 DEFICIENCY; Transcolabamin II deficiency. Identifiers: Orphanet 859, MedGen C0342701, MONDO:0010149, OMIM 275350.

Allele frequency attached by ClinVar (database versions not stated): gnomAD exomes below 0.00001; ExAC 0.00001; gnomAD 0.00001 and 0.00002; TOPMed 0.00003; 1000 Genomes Project 30x 0.00016; 1000 Genomes Project 0.00020.

Submissions (2):

Ambry Genetics
Classification: Uncertain significance for Inborn genetic diseases. Last evaluated: 2025-05-28. Review status: criteria provided, single submitter. Criteria: Ambry Variant Classification Scheme 2023. Collection method: clinical testing. Allele origin: germline.

Labcorp Genetics (formerly Invitae), Labcorp
Classification: Uncertain significance for Transcobalamin II deficiency. Last evaluated: 2024-01-02. Review status: criteria provided, single submitter. Criteria: Invitae Variant Classification Sherloc (09022015). Collection method: clinical testing. Allele origin: germline.
Comment: This sequence change replaces aspartic acid, which is acidic and polar, with asparagine, which is neutral and polar, at codon 92 of the TCN2 protein (p.Asp92Asn). This variant is present in population databases (rs528704555, gnomAD 0.008%). This variant has not been reported in the literature in individuals affected with TCN2-related conditions. ClinVar contains an entry for this variant (Variation ID: 1399905). Algorithms developed to predict the effect of missense changes on protein structure and function output the following: SIFT: "Not Available"; PolyPhen-2: "Benign"; Align-GVGD: "Not Available". The asparagine amino acid residue is found in multiple mammalian species, which suggests that this missense change does not adversely affect protein function. In summary, the available evidence is currently insufficient to determine the role of this variant in disease. Therefore, it has been classified as a Variant of Uncertain Significance.